The following is an entry in ClinVar:

NM_021625.5(TRPV4):c.958C>T (p.Arg320Ter)

Gene: TRPV4 (transient receptor potential cation channel subfamily V member 4; minus strand). Cytogenetic location: 12q24.11.
Variant type: single nucleotide variant.
Coding change: c.958C>T on transcript NM_021625.5 (MANE Select); coding-DNA position 958, C replaced by T.
Protein change: p.Arg320Ter; replaces arginine 320 with a stop codon.
Molecular consequence: nonsense.
Genome position (GRCh38, 1-based): chr12:109,798,808, G>A on the plus strand (C>T on the coding strand, the complement: TRPV4 is on the minus strand). VCF-style: chr12-109798808-G-A. GRCh37 (hg19) VCF-style: chr12-110236613-G-A.
Other names: c.856C>T, p.Arg286Ter (NM_001177431.2); c.817C>T, p.Arg273Ter (NM_001177433.2, NM_001177428.2); c.958C>T, p.Arg320Ter (NM_147204.3); short protein forms R320*, R286*, R273*.
Identifiers: ClinVar variation 469047 (VCV000469047.28), dbSNP rs142902080, ClinGen allele CA6780379.
Genomic context (GRCh38, chr12:109,798,808, plus strand): 5'-TGGTGTTCTCACGGGTGTTGTCAGCAATGGCCACCAGCGCATGCAGCACTGTGTTGCCTC[G>A]CGAGTCCTGGCGCCGCATGTCCGCCTTCTTGTGGGGGTTCTCCGTCAGGTAGTTGACAAT-3'

ClinVar aggregate classification (germline): Conflicting classifications of pathogenicity. Review status: criteria provided, conflicting classifications (1 of 4 stars). 15 submissions from 10 submitters: Uncertain significance (5); Likely benign (7). 3 of the submissions do not count toward it. Last evaluated 2026-01-27.

Conditions:
Inborn genetic diseases. Identifiers: MedGen C0950123, MeSH D030342.
Charcot-Marie-Tooth disease. Also called: Charcot-Marie-Tooth Hereditary Neuropathy; Charcot-Marie-Tooth Neuropathy. Identifiers: Orphanet 166, MedGen C0007959, MONDO:0015626.
Charcot-Marie-Tooth disease type 4. Also called: Charcot-Marie-Tooth, Type 4; Charcot-Marie-Tooth disease, type IV. Identifiers: Orphanet 64749, MedGen C4082197, MONDO:0018995.
Scapuloperoneal spinal muscular atrophy (SPSMA). Also called: AMYOTROPHY, NEUROGENIC SCAPULOPERONEAL, NEW ENGLAND TYPE; Scapuloperoneal Form of Spinal Muscular Atrophy; Scapuloperoneal Spinal Muscular Atrophy, TRPV4-Related; Scapuloperoneal spinal muscular atrophy, autosomal dominant. Identifiers: Orphanet 431255, MedGen C0751335, MONDO:0008408, OMIM 181405.
Charcot-Marie-Tooth disease axonal type 2C (HMSN2C). Also called: CHARCOT-MARIE-TOOTH DISEASE, AXONAL, AUTOSOMAL DOMINANT, TYPE 2C; Charcot-Marie-Tooth Neuropathy Type 2C; Charcot-Marie-Tooth Disease Type 2, TRPV4-Related (CMT2C). Identifiers: Orphanet 99937, MedGen C1853710, MONDO:0011633, OMIM 606071.
Neuronopathy, distal hereditary motor, autosomal dominant 8. Also called: SPINAL MUSCULAR ATROPHY, CONGENITAL BENIGN, WITH CONTRACTURES; Autosomal dominant congenital benign spinal muscular atrophy; NEURONOPATHY, DISTAL HEREDITARY MOTOR, TYPE VIII; NEUROPATHY, DISTAL HEREDITARY MOTOR, TYPE VIII. Identifiers: Orphanet 1216, MedGen C1838492, MONDO:0010839, OMIM 600175.
Brachyrachia (short spine dysplasia) (BCYM3). Also called: Brachyolmia Type 3; Autosomal dominant brachyolmia; BRACHYRACHIA; Brachyolmia, TRPV4-Related. Identifiers: Orphanet 93304, MedGen C0432227, MONDO:0007232, OMIM 113500.
Spondylometaphyseal dysplasia, Kozlowski type (SMDK). Also called: Dysmorphism arthrogryposis skeletal maturation advanced; Jequier-Kozlowski syndrome; Skeletal dysplasia Jequier-Kozlowski type; SMD Kozlowski type; Spondylometaphyseal Dysplasia, TRPV4-Related (Kozlowski Type). Identifiers: Orphanet 93314, MedGen C0265280, MONDO:0008477, OMIM 184252.
Metatropic dysplasia (MTD). Also called: Metatropic dysplasia, nonlethal dominant; METATROPIC DWARFISM; Metatropic Dysplasia, TRPV4-Related. Identifiers: Orphanet 2635, MedGen C0265281, MONDO:0007986, OMIM 156530.

Allele frequency attached by ClinVar (database versions not stated): gnomAD exomes 0.00004; TOPMed 0.00004; ExAC 0.00005; gnomAD 0.00005 and 0.00006; ESP Exome Variant Server 0.00008.
gnomAD v4.1: 140 of 1,614,038 alleles (0.0087%); highest among the groups gnomAD compares: Middle Eastern, 0.016%; no homozygotes.

Submissions (15):

Labcorp Genetics (formerly Invitae), Labcorp
Classification: Uncertain significance for Charcot-Marie-Tooth disease axonal type 2C. Last evaluated: 2026-01-27. Review status: criteria provided, single submitter. Criteria: Invitae Variant Classification Sherloc (09022015). Collection method: clinical testing. Allele origin: germline.
Comment: This sequence change creates a premature translational stop signal (p.Arg320*) in the TRPV4 gene. It is expected to result in an absent or disrupted protein product. However, the current clinical and genetic evidence is not sufficient to establish whether loss-of-function variants in TRPV4 cause disease. This variant is present in population databases (rs142902080, gnomAD 0.007%). This premature translational stop signal has been observed in individual(s) with TRPV4-related conditions (PMID: 32376792). ClinVar contains an entry for this variant (Variation ID: 469047). In summary, the available evidence is currently insufficient to determine the role of this variant in disease. Therefore, it has been classified as a Variant of Uncertain Significance.

Women's Health and Genetics/Laboratory Corporation of America, LabCorp
Classification: Uncertain significance. Last evaluated: 2025-05-05. Review status: criteria provided, single submitter. Criteria: LabCorp Variant Classification Summary - May 2015. Collection method: clinical testing. Allele origin: germline.
Comment: Variant summary: TRPV4 c.958C>T (p.Arg320X) results in a premature termination codon, predicted to cause a truncation of the encoded protein or absence of the protein due to nonsense mediated decay, however current evidence is not sufficient to establish loss of function as a mechanism for disease. The variant allele was found at a frequency of 4e-05 in 251286 control chromosomes. c.958C>T has been observed in at least one individual(s) affected with Charcot Marie Tooth disease (e.g. Volodarsky_2020) . These data do not allow any conclusion about variant significance. To our knowledge, no experimental evidence demonstrating an impact on protein function has been reported. The following publication has been ascertained in the context of this evaluation (PMID: 32376792). ClinVar contains an entry for this variant (Variation ID: 469047). Based on the evidence outlined above, the variant was classified as uncertain significance.

Revvity Omics, Revvity
Classification: Uncertain significance. Last evaluated: 2022-08-04. Review status: criteria provided, single submitter. Criteria: ACMG Guidelines, 2015. Collection method: clinical testing. Allele origin: germline.

Mayo Clinic Laboratories, Mayo Clinic
Classification: Uncertain significance. Last evaluated: 2020-07-10. Review status: criteria provided, single submitter. Criteria: ACMG Guidelines, 2015. Collection method: clinical testing. Allele origin: germline. Observed: 1 variant allele.

Ambry Genetics
Classification: Likely benign for Inborn genetic diseases. Last evaluated: 2019-11-25. Review status: criteria provided, single submitter. Criteria: Ambry Variant Classification Scheme 2023. Collection method: clinical testing. Allele origin: germline.

Illumina Laboratory Services, Illumina
Classification: Likely benign for Brachyrachia (short spine dysplasia). Last evaluated: 2017-07-11. Review status: criteria provided, single submitter. Criteria: ICSL Variant Classification Criteria 13 December 2019. Collection method: clinical testing. Allele origin: germline.
Comment: This variant was observed in the ICSL laboratory as part of a predisposition screen in an ostensibly healthy population. It had not been previously curated by ICSL or reported in the Human Gene Mutation Database (HGMD: prior to June 1st, 2018), and was therefore a candidate for classification through an automated scoring system. Utilizing variant allele frequency, disease prevalence and penetrance estimates, and inheritance mode, an automated score was calculated to assess if this variant is too frequent to cause the disease. Based on the score and internal cut-off values, a variant classified as likely benign is not then subjected to further curation. The score for this variant resulted in a classification of likely benign for this disease.

Illumina Laboratory Services, Illumina
Classification: Likely benign for Metatropic dysplasia. Last evaluated: 2017-07-11. Review status: criteria provided, single submitter. Criteria: ICSL Variant Classification Criteria 13 December 2019. Collection method: clinical testing. Allele origin: germline.
Comment: the same text as in the submission from Illumina Laboratory Services, Illumina above.

Illumina Laboratory Services, Illumina
Classification: Likely benign for Neuronopathy, distal hereditary motor, autosomal dominant 8. Last evaluated: 2017-07-11. Review status: criteria provided, single submitter. Criteria: ICSL Variant Classification Criteria 13 December 2019. Collection method: clinical testing. Allele origin: germline.
Comment: the same text as in the submission from Illumina Laboratory Services, Illumina above.

Illumina Laboratory Services, Illumina
Classification: Likely benign for Scapuloperoneal spinal muscular atrophy. Last evaluated: 2017-07-11. Review status: criteria provided, single submitter. Criteria: ICSL Variant Classification Criteria 13 December 2019. Collection method: clinical testing. Allele origin: germline.
Comment: the same text as in the submission from Illumina Laboratory Services, Illumina above.

Illumina Laboratory Services, Illumina
Classification: Likely benign for Spondylometaphyseal dysplasia, Kozlowski type. Last evaluated: 2017-07-11. Review status: criteria provided, single submitter. Criteria: ICSL Variant Classification Criteria 13 December 2019. Collection method: clinical testing. Allele origin: germline.
Comment: the same text as in the submission from Illumina Laboratory Services, Illumina above.

Illumina Laboratory Services, Illumina
Classification: Likely benign for Charcot-Marie-Tooth disease axonal type 2C. Last evaluated: 2017-07-11. Review status: criteria provided, single submitter. Criteria: ICSL Variant Classification Criteria 13 December 2019. Collection method: clinical testing. Allele origin: germline.
Comment: the same text as in the submission from Illumina Laboratory Services, Illumina above.

Molecular Genetics Laboratory, London Health Sciences Centre
Classification: Uncertain significance for Charcot-Marie-Tooth disease. Review status: criteria provided, single submitter. Criteria: ACMG Guidelines, 2015. Collection method: clinical testing. Allele origin: germline. Affected: yes.

Genesis Genome Database
Classification: Uncertain significance for Charcot-Marie-Tooth disease type 4. Last evaluated: 2019-08-14. Review status: no assertion criteria provided. Collection method: research. Allele origin: germline. Affected: yes. Not counted in ClinVar's aggregate classification.

Genome Diagnostics Laboratory, Amsterdam University Medical Center
Classification: Uncertain significance. Review status: no assertion criteria provided. Collection method: clinical testing. Allele origin: germline. Affected: yes. Study: VKGL Data-share Consensus. Not counted in ClinVar's aggregate classification.

Joint Genome Diagnostic Labs from Nijmegen and Maastricht, Radboudumc and MUMC+
Classification: Uncertain significance. Review status: no assertion criteria provided. Collection method: clinical testing. Allele origin: germline. Affected: yes. Study: VKGL Data-share Consensus. Not counted in ClinVar's aggregate classification.

Literature cited by the submitters: PubMed 32376792 (cited by Labcorp Genetics (formerly Invitae), Labcorp and Women's Health and Genetics/Laboratory Corporation of America, LabCorp).